The following is an entry in ClinVar:

NM_017950.4(CCDC40):c.2832+306G>T

Gene: CCDC40 (coiled-coil domain 40 molecular ruler complex subunit; plus strand). Cytogenetic location: 17q25.3.
Variant type: single nucleotide variant.
Coding change: c.2832+306G>T on transcript NM_017950.4 (MANE Select); 306 bases into the intron after coding-DNA position 2832, G replaced by T.
Molecular consequence: intron variant. On other transcripts: missense variant (1).
Genome position (GRCh38, 1-based): chr17:80,090,190, G>T. VCF-style: chr17-80090190-G-T. GRCh37 (hg19) VCF-style: chr17-78063989-G-T.
Other names: c.2884G>T, p.Gly962Trp (NM_001243342.2); short protein forms G962W.
Identifiers: ClinVar variation 931141 (VCV000931141.3), dbSNP rs1435853783, ClinGen allele CA401351634.

ClinVar aggregate classification (germline): Uncertain significance (1 of 4 stars; one submission).

Conditions:
Primary ciliary dyskinesia 15. Also called: CILIARY DYSKINESIA, PRIMARY, 15, WITH OR WITHOUT SITUS INVERSUS. Identifiers: Orphanet 244, MedGen C3151137, MONDO:0013435, OMIM 613808.

Submission:

Centre for Mendelian Genomics, University Medical Centre Ljubljana
Classification: Uncertain significance for Primary ciliary dyskinesia 15. Last evaluated: 2019-07-01. Review status: criteria provided, single submitter. Criteria: ACMG Guidelines, 2015. Collection method: clinical testing. Allele origin: unknown. Affected: yes.
Comment: This variant was classified as: Uncertain significance. The available evidence on this variant's pathogenicity is insufficient or conflicting. The following ACMG criteria were applied in classifying this variant: PS2,PM2.